The following is an entry in ClinVar:

NM_032383.5(HPS3):c.2888-1612G>A

Genes: CP (ceruloplasmin; minus strand), HPS3 (HPS3 biogenesis of lysosomal organelles complex 2 subunit 1; plus strand). Cytogenetic location: 3q24.
Variant type: single nucleotide variant.
Coding change: c.2888-1612G>A on transcript NM_032383.5 (MANE Select); 1612 bases into the intron before coding-DNA position 2888, G replaced by A.
Molecular consequence: intron variant.
Genome position (GRCh38, 1-based): chr3:149,170,483, G>A. VCF-style: chr3-149170483-G-A. GRCh37 (hg19) VCF-style: chr3-148888270-G-A.
Other names: c.2393-1612G>A (NM_001308258.2).
Identifiers: ClinVar variation 4614 (VCV000004614.8), dbSNP rs281865096, ClinGen allele CA341513.

ClinVar aggregate classification (germline): Uncertain significance. Review status: criteria provided, multiple submitters, no conflicts (2 of 4 stars). 5 submissions from 5 submitters: Uncertain significance (3). 2 of the submissions do not count toward it. Last evaluated 2025-12-25.

Conditions:
Hermansky-Pudlak syndrome 3 (HPS3). Identifiers: Orphanet 231512, Orphanet 79430, MedGen C3888001, MONDO:0013555, OMIM 614072.

Allele frequency attached by ClinVar (database versions not stated): gnomAD 0.00007; TOPMed 0.00011.

Submissions (5):

Baylor Genetics
Classification: Uncertain significance for Hermansky-Pudlak syndrome 3. Last evaluated: 2025-12-25. Review status: criteria provided, single submitter. Criteria: ACMG Guidelines, 2015. Collection method: clinical testing. Allele origin: unknown.

Labcorp Genetics (formerly Invitae), Labcorp
Classification: Uncertain significance. Last evaluated: 2024-11-28. Review status: criteria provided, single submitter. Criteria: Invitae Variant Classification Sherloc (09022015). Collection method: clinical testing. Allele origin: germline.
Comment: This sequence change falls in intron 16 of the HPS3 gene. It does not directly change the encoded amino acid sequence of the HPS3 protein. This variant is present in population databases (rs281865096, gnomAD 0.01%). This variant has been observed in individual(s) with Hermansky-Pudlak syndrome (PMID: 11590544). ClinVar contains an entry for this variant (Variation ID: 4614). Algorithms developed to predict the effect of sequence changes on RNA splicing suggest that this variant may create or strengthen a splice site. In summary, the available evidence is currently insufficient to determine the role of this variant in disease. Therefore, it has been classified as a Variant of Uncertain Significance.

Blueprint Genetics
Classification: Uncertain significance. Last evaluated: 2024-11-19. Review status: criteria provided, single submitter. Criteria: ACMG Guidelines, 2015. Collection method: clinical testing. Allele origin: germline.

OMIM
Classification: Pathogenic for HERMANSKY-PUDLAK SYNDROME 3. Last evaluated: 2001-11-01. Review status: no assertion criteria provided. Collection method: literature only. Allele origin: germline. Not counted in ClinVar's aggregate classification.

ISTH-SSC Genomics in Thrombosis and Hemostasis, KU Leuven, Center for Molecular and Vascular Biology
Classification: Uncertain significance for Hermansky-Pudlak syndrome 3. Review status: no assertion criteria provided. Collection method: research. Allele origin: unknown. Affected: yes. Not counted in ClinVar's aggregate classification.
Comment: Submitted to GoldVariant by Dr Karyn Mégy from NIHR Bioresource - Cambridge University, UK

Literature cited by the submitters: PubMed 11590544 (cited by Labcorp Genetics (formerly Invitae), Labcorp and OMIM).